The following is an entry in ClinVar:

ClinVar aggregate classification (germline): Uncertain significance (1 of 4 stars; one submission).

Conditions:
Hereditary cancer-predisposing syndrome. Also called: Neoplastic Syndromes, Hereditary; Tumor predisposition; Hereditary Cancer Syndrome; Hereditary neoplastic syndrome. Identifiers: Orphanet 140162, MedGen C0027672, MeSH D009386, MONDO:0015356.

Submission:

Ambry Genetics
Classification: Uncertain significance for Hereditary cancer-predisposing syndrome. Last evaluated: 2021-07-02. Review status: criteria provided, single submitter. Criteria: Ambry Variant Classification Scheme 2023. Collection method: clinical testing. Allele origin: germline.
Comment: The c.-3A>C variant is located in the 5' untranslated region (5&rsquo; UTR) of the FH gene. This variant results from an A to C substitution 3 bases upstream from the first translated codon. This nucleotide position is not well conserved in available vertebrate species. Since supporting evidence is limited at this time, the clinical significance of this alteration remains unclear.

NM_000143.4(FH):c.-3A>C

Gene: FH (fumarate hydratase; minus strand). Cytogenetic location: 1q43.
Variant type: single nucleotide variant.
Coding change: c.-3A>C on transcript NM_000143.4 (MANE Select); 3 bases upstream of the start codon, A replaced by C.
Molecular consequence: 5 prime UTR variant.
Genome position (GRCh38, 1-based): chr1:241,519,725, T>G on the plus strand (A>C on the coding strand, the complement: FH is on the minus strand). VCF-style: chr1-241519725-T-G. GRCh37 (hg19) VCF-style: chr1-241683025-T-G.
Identifiers: ClinVar variation 1736889 (VCV001736889.2), dbSNP rs202145941, ClinGen allele CA1229585176.